The following is an entry in ClinVar:

NM_015107.3(PHF8):c.2204C>T (p.Ser735Leu)

Gene: PHF8 (PHD finger protein 8; minus strand). Cytogenetic location: Xp11.22.
Variant type: single nucleotide variant.
Coding change: c.2204C>T on transcript NM_015107.3 (MANE Select); coding-DNA position 2204, C replaced by T.
Protein change: p.Ser735Leu; replaces serine 735 with leucine.
Molecular consequence: missense variant.
Genome position (GRCh38, 1-based): chrX:53,985,153, G>A on the plus strand (C>T on the coding strand, the complement: PHF8 is on the minus strand). VCF-style: chrX-53985153-G-A. GRCh37 (hg19) VCF-style: chrX-54011586-G-A.
Other names: c.2312C>T, p.Ser771Leu (NM_001184896.1); c.1901C>T, p.Ser634Leu (NM_001184897.2); c.2153C>T, p.Ser718Leu (NM_001184898.2); short protein forms S634L, S718L, S735L, S771L.
Identifiers: ClinVar variation 2558103 (VCV002558103.3), dbSNP rs377130882, ClinGen allele CA329924353.

ClinVar aggregate classification (germline): Uncertain significance (1 of 4 stars; one submission).

Conditions:
Inborn genetic diseases. Identifiers: MedGen C0950123, MeSH D030342.

Allele frequency attached by ClinVar (database versions not stated): gnomAD exomes below 0.00001; TOPMed below 0.00001; gnomAD 0.00001.
gnomAD v4.1: 2 of 1,204,547 alleles (0.00017%); highest among the groups gnomAD compares: Non-Finnish European, 0.00022%; no homozygotes.

Submission:

Ambry Genetics
Classification: Uncertain significance for Inborn genetic diseases. Last evaluated: 2023-07-14. Review status: criteria provided, single submitter. Criteria: Ambry Variant Classification Scheme 2023. Collection method: clinical testing. Allele origin: germline.
Comment: The c.2204C>T (p.S735L) alteration is located in exon 18 (coding exon 17) of the PHF8 gene. This alteration results from a C to T substitution at nucleotide position 2204, causing the serine (S) at amino acid position 735 to be replaced by a leucine (L). This variant was not reported in population-based cohorts in the Genome Aggregation Database (gnomAD). This amino acid position is highly conserved in available vertebrate species. The in silico prediction for this alteration is inconclusive. Based on insufficient or conflicting evidence, the clinical significance of this alteration remains unclear.